The following is an entry in ClinVar:

ClinVar aggregate classification (germline): Uncertain significance (1 of 4 stars; one submission).

Conditions:
Hereditary cancer-predisposing syndrome. Also called: Tumor predisposition; Neoplastic Syndromes, Hereditary; Hereditary Cancer Syndrome; Hereditary neoplastic syndrome. Identifiers: Orphanet 140162, MedGen C0027672, MeSH D009386, MONDO:0015356.

Allele frequency attached by ClinVar (database versions not stated): gnomAD exomes below 0.00001.
gnomAD v4.1: 3 of 1,600,220 alleles (0.00019%); highest among the groups gnomAD compares: Non-Finnish European, 0.00026%; no homozygotes.

Submission:

Ambry Genetics
Classification: Uncertain significance for Hereditary cancer-predisposing syndrome. Last evaluated: 2022-09-21. Review status: criteria provided, single submitter. Criteria: Ambry Variant Classification Scheme 2023. Collection method: clinical testing. Allele origin: germline.
Comment: The p.D1075N variant (also known as c.3223G>A), located in coding exon 26 of the POLD1 gene, results from a G to A substitution at nucleotide position 3223. The aspartic acid at codon 1075 is replaced by asparagine, an amino acid with highly similar properties. This amino acid position is conserved. In addition, this alteration is predicted to be tolerated by in silico analysis. Since supporting evidence is limited at this time, the clinical significance of this alteration remains unclear.

NM_002691.4(POLD1):c.3223G>A (p.Asp1075Asn)

Gene: POLD1 (DNA polymerase delta 1, catalytic subunit; plus strand). Cytogenetic location: 19q13.33.
Variant type: single nucleotide variant.
Coding change: c.3223G>A on transcript NM_002691.4 (MANE Select); coding-DNA position 3223, G replaced by A.
Protein change: p.Asp1075Asn; replaces aspartic acid 1075 with asparagine.
Molecular consequence: missense variant. On other transcripts: non-coding transcript variant (1).
Genome position (GRCh38, 1-based): chr19:50,417,846, G>A. VCF-style: chr19-50417846-G-A. GRCh37 (hg19) VCF-style: chr19-50921103-G-A.
Other names: c.3223G>A, p.Asp1075Asn (NM_001256849.1); c.3301G>A, p.Asp1101Asn (NM_001308632.1); short protein forms D1101N, D1075N.
Identifiers: ClinVar variation 1729104 (VCV001729104.2), dbSNP rs2514086848, ClinGen allele CA406987668.